The following is an entry in ClinVar:

ClinVar aggregate classification (germline): Benign. Review status: criteria provided, multiple submitters, no conflicts (2 of 4 stars). 4 submissions from 4 submitters: Benign (4). Last evaluated 2026-08-06.

Conditions:
Cataract 6 multiple types. Also called: CATARACT 6, POSTERIOR POLAR; CATARACT 6, CONGENITAL TOTAL; CATARACT, AGE-RELATED CORTICAL, 2. Identifiers: Orphanet 91492, MedGen C1861825, MONDO:0007288, OMIM 116600.
EPHA2-related disorder. Also called: EPHA2-related condition.

Allele frequency attached by ClinVar (database versions not stated): 1000 Genomes Project 30x 0.00094; ExAC 0.00104; 1000 Genomes Project 0.00120; gnomAD exomes 0.00120; gnomAD 0.00167 and 0.00182; TOPMed 0.00191; ESP Exome Variant Server 0.00238.
gnomAD v4.1: 1,116 of 1,614,066 alleles (0.069%); highest among the groups gnomAD compares: African/African-American, 0.47%; 9 homozygotes.

Submissions (4):

PreventionGenetics, part of Exact Sciences
Classification: Benign for EPHA2-related condition. Last evaluated: 2026-08-06. Review status: criteria provided, single submitter. Criteria: ACMG Guidelines, 2015. Collection method: clinical testing. Allele origin: germline.
Comment: This variant is classified as benign based on ACMG/AMP sequence variant interpretation guidelines (Richards et al. 2015 PMID: 25741868, with internal and published modifications).

Labcorp Genetics (formerly Invitae), Labcorp
Classification: Benign for Cataract 6 multiple types. Last evaluated: 2024-11-13. Review status: criteria provided, single submitter. Criteria: Invitae Variant Classification Sherloc (09022015). Collection method: clinical testing. Allele origin: germline.

Illumina Laboratory Services, Illumina
Classification: Benign for Cataract 6 multiple types. Last evaluated: 2018-01-13. Review status: criteria provided, single submitter. Criteria: ICSL Variant Classification Criteria 13 December 2019. Collection method: clinical testing. Allele origin: germline.
Comment: This variant was observed in the ICSL laboratory as part of a predisposition screen in an ostensibly healthy population. It had not been previously curated by ICSL or reported in the Human Gene Mutation Database (HGMD: prior to June 1st, 2018), and was therefore a candidate for classification through an automated scoring system. Utilizing variant allele frequency, disease prevalence and penetrance estimates, and inheritance mode, an automated score was calculated to assess if this variant is too frequent to cause the disease. Based on the score and internal cut-off values, a variant classified as benign is not then subjected to further curation. The score for this variant resulted in a classification of benign for this disease.

Breakthrough Genomics
Classification: Benign. Review status: criteria provided, single submitter. Criteria: ACMG Guidelines, 2015. Collection method: not provided. Allele origin: germline. Inheritance: Autosomal dominant inheritance. Affected: yes.

NM_004431.5(EPHA2):c.1170C>T (p.His390=)

Gene: EPHA2 (EPH receptor A2; minus strand). Cytogenetic location: 1p36.13.
Variant type: single nucleotide variant.
Coding change: c.1170C>T on transcript NM_004431.5 (MANE Select); coding-DNA position 1170, C replaced by T.
Protein change: p.His390=; no amino-acid change (histidine 390 retained).
Molecular consequence: synonymous variant.
Genome position (GRCh38, 1-based): chr1:16,137,995, G>A on the plus strand (C>T on the coding strand, the complement: EPHA2 is on the minus strand). VCF-style: chr1-16137995-G-A. GRCh37 (hg19) VCF-style: chr1-16464490-G-A.
Other names: c.1170C>T (NM_004431.4); c.1008C>T, p.His336= (NM_001329090.2).
Identifiers: ClinVar variation 293436 (VCV000293436.17), dbSNP rs113173342, ClinGen allele CA625294.